The following is an entry in ClinVar:

NM_181458.4(PAX3):c.251C>T (p.Ser84Phe)

Gene: PAX3 (paired box 3; minus strand). Cytogenetic location: 2q36.1.
Variant type: single nucleotide variant.
Coding change: c.251C>T on transcript NM_181458.4 (MANE Select); coding-DNA position 251, C replaced by T.
Protein change: p.Ser84Phe; replaces serine 84 with phenylalanine.
Molecular consequence: missense variant.
Genome position (GRCh38, 1-based): chr2:222,297,048, G>A on the plus strand (C>T on the coding strand, the complement: PAX3 is on the minus strand). VCF-style: chr2-222297048-G-A. GRCh37 (hg19) VCF-style: chr2-223161767-G-A.
Other names: NM_181458.3:c.251C>T, p.(Ser84Phe); c.251C>T, p.Ser84Phe (NM_000438.6, NM_001127366.3, NM_013942.5 and 4 more transcripts); short protein forms S84F.
Identifiers: ClinVar variation 4212 (VCV000004212.8), dbSNP rs104893651, ClinGen allele CA116691.

ClinVar aggregate classification (germline): Pathogenic. Review status: criteria provided, multiple submitters, no conflicts (2 of 4 stars). 7 submissions from 6 submitters: Pathogenic (4). 3 of the submissions do not count toward it. Last evaluated 2026-07-19.

Conditions:
Waardenburg syndrome type 1 (WS1). Also called: Waardenburg Syndrome Type I; WAARDENBURG SYNDROME WITH DYSTOPIA CANTHORUM. Identifiers: Orphanet 894, MedGen C1847800, MONDO:0008670, OMIM 193500.
Waardenburg syndrome type 3 (WS3). Also called: WAARDENBURG SYNDROME WITH UPPER LIMB ANOMALIES; KLEIN-WAARDENBURG SYNDROME; Klein-Waardenberg's syndrome. Identifiers: Orphanet 3440, Orphanet 896, MedGen C0079661, MONDO:0007862, OMIM 148820.

Submissions (7):

Department of Molecular Genetics, Istishari Arab Hospital
Classification: Pathogenic for Waardenburg syndrome type 1. Last evaluated: 2026-07-19. Review status: criteria provided, single submitter. Criteria: ACMG Guidelines, 2015. Collection method: clinical testing. Allele origin: germline. Inheritance: Autosomal dominant inheritance. Affected: yes.
Comment: The PAX3 c.251C>T p.Ser84Phe variant affects a highly conserved amino acid within the paired DNA-binding domain of the PAX3 protein, a critical functional region enriched for disease-causing variants. The variant is absent from population databases (gnomAD v4.1). This variant has been reported in numerous unrelated individuals and families with Waardenburg syndrome type 1, including multiple Palestinian families, and has consistently segregated with disease (PMID: 7726174). It is classified as pathogenic according to the recommendations of ACMG/AMP/ClinGen SVI guidelines.

3billion
Classification: Pathogenic for Waardenburg syndrome type 1. Last evaluated: 2025-07-16. Review status: criteria provided, single submitter. Criteria: ACMG Guidelines, 2015. Collection method: clinical testing. Allele origin: germline. Affected: yes.
Comment: The variant is not observed in the gnomAD v4.1.0 dataset. Predicted Consequence/Location: The variant is located in a mutational hot spot and/or well-established functional domain in which established pathogenic variants have been reported. In silico tool predictions suggest damaging effect of the variant on gene or gene product [REVEL: 0.99 (>=0.6, sensitivity 0.68 and specificity 0.92); 3Cnet: 0.99 (> 0.75, sensitivity 0.96 and precision 0.92)]. The same nucleotide change resulting in the same amino acid change has been previously reported as pathogenic/likely pathogenic with strong evidence (ClinVar ID: VCV000004212 /PMID: 7726174). The variant has been reported to co-segregate with the disease in at least 5 similarly affected relatives/individuals in the same family or similarly affected unrelated families (PMID: 7726174). Therefore, this variant is classified as Pathogenic according to the recommendation of ACMG/AMP guideline.

Labcorp Genetics (formerly Invitae), Labcorp
Classification: Pathogenic. Last evaluated: 2023-07-18. Review status: criteria provided, single submitter. Criteria: Invitae Variant Classification Sherloc (09022015). Collection method: clinical testing. Allele origin: germline.
Comment: This sequence change replaces serine, which is neutral and polar, with phenylalanine, which is neutral and non-polar, at codon 84 of the PAX3 protein (p.Ser84Phe). This variant is not present in population databases (gnomAD no frequency). This missense change has been observed in individual(s) with Waardenburg syndrome (PMID: 7726174). It has also been observed to segregate with disease in related individuals. ClinVar contains an entry for this variant (Variation ID: 4212). Advanced modeling of protein sequence and biophysical properties (such as structural, functional, and spatial information, amino acid conservation, physicochemical variation, residue mobility, and thermodynamic stability) performed at Invitae indicates that this missense variant is expected to disrupt PAX3 protein function. For these reasons, this variant has been classified as Pathogenic.

King Laboratory, University of Washington
Classification: Pathogenic for Waardenburg syndrome type 1. Last evaluated: 2020-08-01. Review status: criteria provided, single submitter. Criteria: Abu Rayyan A et al. (Proc Natl Acad Sci U S A 2020). Collection method: research. Allele origin: germline. Affected: yes.
Comment: PAX3 c.251C>T, p.S84F alters a residue of PAX3 conserved throughout all sequenced vertebrates. It has been reported multiple times as a pathogenic variant in the Palestinian population (PMID: 7726174). In our cohort, the variant was heterozygous in 16 Palestinian children and adults with features of Waardenburg syndrome from 4 extended kindreds (Abu Rayyan 2020).

Hereditary Research Laboratory, Bethlehem University
Classification: Pathogenic for Waardenburg syndrome type 1. Last evaluated: 2016-06-04. Review status: no assertion criteria provided. Collection method: research. Allele origin: germline. Affected: yes. Not counted in ClinVar's aggregate classification.
Comment: Waardenburg syn

OMIM
Classification: Pathogenic for WAARDENBURG SYNDROME, TYPE 3. Last evaluated: 1995-05-01. Review status: no assertion criteria provided. Collection method: literature only. Allele origin: germline. Not counted in ClinVar's aggregate classification.

OMIM
Classification: Pathogenic for WAARDENBURG SYNDROME, TYPE 1. Last evaluated: 1995-05-01. Review status: no assertion criteria provided. Collection method: literature only. Allele origin: germline. Not counted in ClinVar's aggregate classification.

Literature cited by the submitters: PubMed 7726174 (cited by 4 submitters).